The following is an entry in ClinVar:

NM_001330288.2(SMARCC2):c.2353A>T (p.Ser785Cys)

Gene: SMARCC2 (SWI/SNF related BAF chromatin remodeling complex subunit C2; minus strand). Cytogenetic location: 12q13.2.
Variant type: single nucleotide variant.
Coding change: c.2353A>T on transcript NM_001330288.2 (MANE Select); coding-DNA position 2353, A replaced by T.
Protein change: p.Ser785Cys; replaces serine 785 with cysteine.
Molecular consequence: missense variant.
Genome position (GRCh38, 1-based): chr12:56,170,203, T>A on the plus strand (A>T on the coding strand, the complement: SMARCC2 is on the minus strand). VCF-style: chr12-56170203-T-A. GRCh37 (hg19) VCF-style: chr12-56563987-T-A.
Other names: c.2353A>T, p.Ser785Cys (NM_001130420.3, NM_139067.4); c.2260A>T, p.Ser754Cys (NM_003075.5); short protein forms S754C, S785C.
Identifiers: ClinVar variation 3058724 (VCV003058724.3), dbSNP rs111975931, ClinGen allele CA6625818.

ClinVar aggregate classification (germline): Benign. Review status: criteria provided, single submitter (1 of 4 stars). 2 submissions from 2 submitters: Benign (1). 1 of the submissions does not count toward it. Last evaluated 2021-08-10.

Conditions:
Coffin-Siris syndrome 8. Identifiers: MedGen C5193054, MONDO:0032702, OMIM 618362.
SMARCC2-related disorder. Also called: SMARCC2-related condition.

Allele frequency attached by ClinVar (database versions not stated): TOPMed 0.00011; gnomAD 0.00013; ExAC 0.00021; 1000 Genomes Project 30x 0.00109; 1000 Genomes Project 0.00140.
gnomAD v4.1: 139 of 1,613,366 alleles (0.0086%); highest among the groups gnomAD compares: East Asian, 0.28%; 2 homozygotes.

Submissions (2):

Department of Pathology and Laboratory Medicine, Sinai Health System
Classification: Benign for Coffin-Siris syndrome 8. Last evaluated: 2021-08-10. Review status: criteria provided, single submitter. Criteria: ACMG Guidelines, 2015. Collection method: research. Allele origin: germline.

PreventionGenetics, part of Exact Sciences
Classification: Benign for SMARCC2-related condition. Last evaluated: 2019-03-21. Review status: no assertion criteria provided. Collection method: clinical testing. Allele origin: germline. Not counted in ClinVar's aggregate classification.
Comment: This variant is classified as benign based on ACMG/AMP sequence variant interpretation guidelines (Richards et al. 2015 PMID: 25741868, with internal and published modifications).